The following is an entry in ClinVar:

NM_000051.4(ATM):c.99G>A (p.Leu33=)

Gene: ATM (ATM serine/threonine kinase; plus strand). Cytogenetic location: 11q22.3.
Variant type: single nucleotide variant.
Coding change: c.99G>A on transcript NM_000051.4 (MANE Select); coding-DNA position 99, G replaced by A.
Protein change: p.Leu33=; no amino-acid change (leucine 33 retained).
Molecular consequence: synonymous variant.
Genome position (GRCh38, 1-based): chr11:108,227,802, G>A. VCF-style: chr11-108227802-G-A. GRCh37 (hg19) VCF-style: chr11-108098529-G-A.
Other names: c.99G>A, p.Leu33= (NM_001351834.2, NM_001351835.2, NM_001351836.2).
Identifiers: ClinVar variation 3254118 (VCV003254118.3), dbSNP rs2135011731.

ClinVar aggregate classification (germline): Benign/Likely benign. Review status: criteria provided, multiple submitters, no conflicts (2 of 4 stars). 2 submissions from 2 submitters: Benign (1); Likely benign (1). Last evaluated 2024-05-11.

Conditions:
Ataxia-telangiectasia syndrome (AT). Also called: LOUIS-BAR SYNDROME; Cerebello-oculocutaneous telangiectasia; Immunodeficiency with ataxia telangiectasia; AT, COMPLEMENTATION GROUP C; Ataxia-telangiectasia, complementation group D; ATAXIA-TELANGIECTASIA, COMPLEMENTATION GROUP A. Identifiers: Orphanet 100, MedGen C0004135, MONDO:0008840, OMIM 208900.
Familial cancer of breast. Also called: BREAST CANCER, FAMILIAL; hereditary breast carcinoma; Hereditary breast cancer. Identifiers: Orphanet 227535, MedGen C0346153, MONDO:0016419, OMIM 114480. Disease mechanism: loss of function.

Submissions (2):

Labcorp Genetics (formerly Invitae), Labcorp
Classification: Likely benign for Ataxia-telangiectasia syndrome. Last evaluated: 2024-05-11. Review status: criteria provided, single submitter. Criteria: Invitae Variant Classification Sherloc (09022015). Collection method: clinical testing. Allele origin: germline.

Myriad Genetics, Inc.
Classification: Benign for Familial cancer of breast. Last evaluated: 2024-04-17. Review status: criteria provided, single submitter. Criteria: Myriad Autosomal Dominant, Autosomal Recessive and X-Linked Classification Criteria (2023). Collection method: clinical testing. Allele origin: unknown.
Comment: This variant is considered benign. This variant is a silent/synonymous amino acid change and it is not expected to impact splicing.